The following is an entry in ClinVar:

NM_000368.5(TSC1):c.3190G>A (p.Glu1064Lys)

Gene: TSC1 (TSC complex subunit 1; minus strand). Cytogenetic location: 9q34.13.
Variant type: single nucleotide variant.
Coding change: c.3190G>A on transcript NM_000368.5 (MANE Select); coding-DNA position 3190, G replaced by A.
Protein change: p.Glu1064Lys; replaces glutamic acid 1064 with lysine.
Molecular consequence: missense variant.
Genome position (GRCh38, 1-based): chr9:132,896,540, C>T on the plus strand (G>A on the coding strand, the complement: TSC1 is on the minus strand). VCF-style: chr9-132896540-C-T. GRCh37 (hg19) VCF-style: chr9-135771927-C-T.
Other names: c.3187G>A, p.Glu1063Lys (NM_001162426.2); c.3037G>A, p.Glu1013Lys (NM_001162427.2); c.2827G>A, p.Glu943Lys (NM_001362177.2); short protein forms E1013K, E1063K, E1064K, E943K.
Identifiers: ClinVar variation 1469672 (VCV001469672.6), dbSNP rs1845063569, ClinGen allele CA375367083.
Genomic context (GRCh38, chr9:132,896,540, plus strand): 5'-AACTGGGAAGTGAGCCCACAGTGGTGGGGATGCTGGCAGACGCTTCTCCCATAGTCGTCT[C>T]CCACCGACTGCTGAATGGGCCTGCCCTCTGGTGTGGGGGTTTCTCTGGGGTAGAAAGCTC-3'
Protein context (NP_000359.1, residues 1054-1074): QRAGPFSSRW[Glu1064Lys]TTMGEASASI

ClinVar aggregate classification (germline): Uncertain significance (1 of 4 stars; one submission).

Conditions:
Tuberous sclerosis 1 (TSC1). Identifiers: Orphanet 805, MedGen C1854465, MONDO:0008612, OMIM 191100.

Submission:

Labcorp Genetics (formerly Invitae), Labcorp
Classification: Uncertain significance for Tuberous sclerosis 1. Last evaluated: 2021-10-08. Review status: criteria provided, single submitter. Criteria: Invitae Variant Classification Sherloc (09022015). Collection method: clinical testing. Allele origin: germline.
Comment: In summary, the available evidence is currently insufficient to determine the role of this variant in disease. Therefore, it has been classified as a Variant of Uncertain Significance. Algorithms developed to predict the effect of missense changes on protein structure and function are either unavailable or do not agree on the potential impact of this missense change (SIFT: "Tolerated"; PolyPhen-2: "Possibly Damaging"; Align-GVGD: "Class C0"). This variant has not been reported in the literature in individuals affected with TSC1-related conditions. This variant is not present in population databases (ExAC no frequency). This sequence change replaces glutamic acid with lysine at codon 1064 of the TSC1 protein (p.Glu1064Lys). The glutamic acid residue is moderately conserved and there is a small physicochemical difference between glutamic acid and lysine.